The following is an entry in ClinVar:

ClinVar aggregate classification (germline): Uncertain significance. Review status: criteria provided, multiple submitters, no conflicts (2 of 4 stars). 2 submissions from 2 submitters: Uncertain significance (2). Last evaluated 2023-04-07.

Conditions:
Vici syndrome (VICIS). Identifiers: Orphanet 1493, MedGen C1855772, MONDO:0009452, OMIM 242840.
Inborn genetic diseases. Identifiers: MedGen C0950123, MeSH D030342.

Allele frequency attached by ClinVar (database versions not stated): gnomAD exomes below 0.00001; TOPMed below 0.00001; ExAC 0.00001.
gnomAD v4.1: 5 of 1,612,652 alleles (0.00031%); highest among the groups gnomAD compares: South Asian, 0.0011%; no homozygotes.

Submissions (2):

Ambry Genetics
Classification: Uncertain significance for Inborn genetic diseases. Last evaluated: 2023-04-07. Review status: criteria provided, single submitter. Criteria: Ambry Variant Classification Scheme 2023. Collection method: clinical testing. Allele origin: germline.

Labcorp Genetics (formerly Invitae), Labcorp
Classification: Uncertain significance for Vici syndrome. Last evaluated: 2022-05-03. Review status: criteria provided, single submitter. Criteria: Invitae Variant Classification Sherloc (09022015). Collection method: clinical testing. Allele origin: germline.
Comment: This sequence change replaces proline, which is neutral and non-polar, with leucine, which is neutral and non-polar, at codon 1477 of the EPG5 protein (p.Pro1477Leu). This variant is present in population databases (rs759500686, gnomAD 0.0009%). This variant has not been reported in the literature in individuals affected with EPG5-related conditions. Algorithms developed to predict the effect of missense changes on protein structure and function (SIFT, PolyPhen-2, Align-GVGD) all suggest that this variant is likely to be tolerated. In summary, the available evidence is currently insufficient to determine the role of this variant in disease. Therefore, it has been classified as a Variant of Uncertain Significance.

NM_020964.3(EPG5):c.4430C>T (p.Pro1477Leu)

Gene: EPG5 (ectopic P-granules 5 autophagy tethering factor; minus strand). Cytogenetic location: 18q21.1.
Variant type: single nucleotide variant.
Coding change: c.4430C>T on transcript NM_020964.3 (MANE Select); coding-DNA position 4430, C replaced by T.
Protein change: p.Pro1477Leu; replaces proline 1477 with leucine.
Molecular consequence: missense variant.
Genome position (GRCh38, 1-based): chr18:45,904,017, G>A on the plus strand (C>T on the coding strand, the complement: EPG5 is on the minus strand). VCF-style: chr18-45904017-G-A. GRCh37 (hg19) VCF-style: chr18-43483982-G-A.
Other names: c.4430C>T (NM_020964.2); c.4430C>T, p.Pro1477Leu (NM_001410858.1, NM_001410859.1); short protein forms P1477L.
Identifiers: ClinVar variation 1975175 (VCV001975175.4), dbSNP rs759500686, ClinGen allele CA8948871.